The following is an entry in ClinVar:

NM_001378454.1(ALMS1):c.280C>T (p.Pro94Ser)

Gene: ALMS1 (ALMS1 centrosome and basal body associated protein; plus strand). Cytogenetic location: 2p13.1.
Variant type: single nucleotide variant.
Coding change: c.280C>T on transcript NM_001378454.1 (MANE Select); coding-DNA position 280, C replaced by T.
Protein change: p.Pro94Ser; replaces proline 94 with serine.
Molecular consequence: missense variant.
Genome position (GRCh38, 1-based): chr2:73,386,148, C>T. VCF-style: chr2-73386148-C-T. GRCh37 (hg19) VCF-style: chr2-73613276-C-T.
Other names: c.283C>T, p.Pro95Ser (NM_015120.4); short protein forms P95S, P94S.
Identifiers: ClinVar variation 595064 (VCV000595064.17), dbSNP rs775431837, ClinGen allele CA1712786.

ClinVar aggregate classification (germline): Conflicting classifications of pathogenicity. Review status: criteria provided, conflicting classifications (1 of 4 stars). 7 submissions from 7 submitters: Pathogenic (1); Uncertain significance (5); Likely benign (1). Last evaluated 2025-11-04.

Conditions:
Alstrom syndrome (ALMS). Identifiers: Orphanet 64, MedGen C0268425, MONDO:0008763, OMIM 203800.
ALMS1-related disorder. Also called: ALMS1-related condition.
Cardiovascular phenotype. Identifiers: MedGen CN230736.

Allele frequency attached by ClinVar (database versions not stated): TOPMed 0.00006; gnomAD exomes 0.00020; ExAC below 0.00001.
gnomAD v4.1: 45 of 1,556,432 alleles (0.0029%); highest among the groups gnomAD compares: Admixed American, 0.078%; no homozygotes.

Submissions (7):

PreventionGenetics, part of Exact Sciences
Classification: Pathogenic for ALMS1-related condition. Last evaluated: 2025-11-04. Review status: criteria provided, single submitter. Criteria: ACMG Guidelines, 2015. Collection method: clinical testing. Allele origin: germline.
Comment: The ALMS1 c.283C>T variant is predicted to result in premature protein termination (p.Gln95*). This variant was reported in compound heterozygous state with a nonsense variant in an individual with Alstrom syndrome presenting with central vision loss, hearing loss and cardiomyopathy [described as c.286C>T (p.Gln96*) in Mauring et al. 2020. PubMed ID: 32973878]. This variant is reported in 0.0017% of alleles in individuals of European (Non-Finnish) descent in gnomAD. This variant is interpreted as pathogenic.

GeneDx
Classification: Uncertain significance. Last evaluated: 2025-06-24. Review status: criteria provided, single submitter. Criteria: GeneDx Variant Classification Process June 2021. Collection method: clinical testing. Allele origin: germline. Affected: yes.
Comment: In silico analysis suggests that this missense variant does not alter protein structure/function; Has not been previously published as pathogenic or benign to our knowledge

Labcorp Genetics (formerly Invitae), Labcorp
Classification: Uncertain significance for Alstrom syndrome. Last evaluated: 2022-10-05. Review status: criteria provided, single submitter. Criteria: Invitae Variant Classification Sherloc (09022015). Collection method: clinical testing. Allele origin: germline.
Comment: This sequence change replaces proline, which is neutral and non-polar, with serine, which is neutral and polar, at codon 95 of the ALMS1 protein (p.Pro95Ser). This variant is present in population databases (rs775431837, gnomAD 0.1%). This variant has not been reported in the literature in individuals affected with ALMS1-related conditions. ClinVar contains an entry for this variant (Variation ID: 595064). Algorithms developed to predict the effect of missense changes on protein structure and function output the following: SIFT: "Not Available"; PolyPhen-2: "Not Available"; Align-GVGD: "Not Available". The serine amino acid residue is found in multiple mammalian species, which suggests that this missense change does not adversely affect protein function. In summary, the available evidence is currently insufficient to determine the role of this variant in disease. Therefore, it has been classified as a Variant of Uncertain Significance.

Fulgent Genetics
Classification: Uncertain significance for Alstrom syndrome. Last evaluated: 2022-02-14. Review status: criteria provided, single submitter. Criteria: ACMG Guidelines, 2015. Collection method: clinical testing. Allele origin: unknown.

Ambry Genetics
Classification: Likely benign for Cardiovascular phenotype. Last evaluated: 2021-12-21. Review status: criteria provided, single submitter. Criteria: Ambry Variant Classification Scheme 2023. Collection method: clinical testing. Allele origin: germline.

Genome-Nilou Lab
Classification: Uncertain significance for Alstrom syndrome. Last evaluated: 2021-05-18. Review status: criteria provided, single submitter. Criteria: ACMG Guidelines, 2015. Collection method: clinical testing. Allele origin: germline. Affected: no.

Eurofins Ntd Llc (ga)
Classification: Uncertain significance. Last evaluated: 2017-11-30. Review status: criteria provided, single submitter. Criteria: EGL Classification Definitions 2015. Collection method: clinical testing. Allele origin: germline. Observed: 1 variant allele, 1 heterozygote.